The following is an entry in ClinVar:

ClinVar aggregate classification (germline): Uncertain significance. Review status: criteria provided, multiple submitters, no conflicts (2 of 4 stars). 3 submissions from 3 submitters: Uncertain significance (2). 1 of the submissions does not count toward it. Last evaluated 2025-04-29.

Conditions:
Glaucoma 1, open angle, G (GLC1G). Identifiers: MedGen C1835933, OMIM 609887, MONDO:0012357.

Allele frequency attached by ClinVar (database versions not stated): gnomAD exomes 0.00075 and 0.00136; ExAC 0.00078; gnomAD 0.00091 and 0.00089; 1000 Genomes Project 30x 0.00047; 1000 Genomes Project 0.00020; TOPMed 0.00085.
gnomAD v4.1: 2,129 of 1,610,592 alleles (0.13%); highest among the groups gnomAD compares: Non-Finnish European, 0.17%; 3 homozygotes.

Submissions (3):

Labcorp Genetics (formerly Invitae), Labcorp
Classification: Uncertain significance. Last evaluated: 2025-04-29. Review status: criteria provided, single submitter. Criteria: Invitae Variant Classification Sherloc (09022015). Collection method: clinical testing. Allele origin: germline.
Comment: This sequence change replaces arginine, which is basic and polar, with glutamine, which is neutral and polar, at codon 529 of the WDR36 protein (p.Arg529Gln). This variant is present in population databases (rs116529882, gnomAD 0.1%), and has an allele count higher than expected for a pathogenic variant. This missense change has been observed in individual(s) with clinical features of WDR36-related conditions (PMID: 15677485, 16723468, 17563723). ClinVar contains an entry for this variant (Variation ID: 1583). Invitae Evidence Modeling of protein sequence and biophysical properties (such as structural, functional, and spatial information, amino acid conservation, physicochemical variation, residue mobility, and thermodynamic stability) has been performed for this missense variant. However, the output from this modeling did not meet the statistical confidence thresholds required to predict the impact of this variant on WDR36 protein function. In summary, the available evidence is currently insufficient to determine the role of this variant in disease. Therefore, it has been classified as a Variant of Uncertain Significance.

Mendelics
Classification: Uncertain significance. Last evaluated: 2022-05-04. Review status: criteria provided, single submitter. Criteria: Mendelics Assertion Criteria 2019. Collection method: clinical testing. Allele origin: germline.

OMIM
Classification: Pathogenic for GLAUCOMA 1, OPEN ANGLE, G. Last evaluated: 2005-03-15. Review status: no assertion criteria provided. Collection method: literature only. Allele origin: germline. Not counted in ClinVar's aggregate classification.

Literature cited by the submitters: PubMed 15677485 (cited by Labcorp Genetics (formerly Invitae), Labcorp and OMIM); PubMed 16723468 (cited by Labcorp Genetics (formerly Invitae), Labcorp); PubMed 17563723 (cited by Labcorp Genetics (formerly Invitae), Labcorp).

NM_139281.3(WDR36):c.1418G>A (p.Arg473Gln)

Gene: WDR36 (WD repeat domain 36; plus strand). Cytogenetic location: 5q22.1.
Variant type: single nucleotide variant.
Coding change: c.1418G>A on transcript NM_139281.3 (MANE Select); coding-DNA position 1418, G replaced by A.
Protein change: p.Arg473Gln; replaces arginine 473 with glutamine.
Molecular consequence: missense variant.
Genome position (GRCh38, 1-based): chr5:111,110,280, G>A. VCF-style: chr5-111110280-G-A. GRCh37 (hg19) VCF-style: chr5-110445979-G-A.
Other names: R529Q; short protein forms R473Q.
Identifiers: ClinVar variation 1583 (VCV000001583.8), dbSNP rs116529882, ClinGen allele CA115074.